The following is an entry in ClinVar:

ClinVar aggregate classification (germline): Uncertain significance (1 of 4 stars; one submission).

Submission:

GeneDx
Classification: Uncertain significance. Last evaluated: 2026-03-09. Review status: criteria provided, single submitter. Criteria: GeneDx Variant Classification Process June 2021. Collection method: clinical testing. Allele origin: germline.
Comment: In silico analysis supports that this missense variant has a deleterious effect on protein structure/function; Not observed at significant frequency in large population cohorts (gnomAD); Has not been previously published as pathogenic or benign to our knowledge

NM_020928.2(ZSWIM6):c.365G>A (p.Cys122Tyr)

Gene: ZSWIM6 (zinc finger SWIM-type containing 6; plus strand). Cytogenetic location: 5q12.1.
Variant type: single nucleotide variant.
Coding change: c.365G>A on transcript NM_020928.2 (MANE Select); coding-DNA position 365, G replaced by A.
Protein change: p.Cys122Tyr; replaces cysteine 122 with tyrosine.
Molecular consequence: missense variant.
Genome position (GRCh38, 1-based): chr5:61,332,637, G>A. VCF-style: chr5-61332637-G-A. GRCh37 (hg19) VCF-style: chr5-60628464-G-A.
Other names: short protein forms C122Y.
Identifiers: ClinVar variation 5009838 (VCV005009838.1).